The following is an entry in ClinVar:

ClinVar aggregate classification (germline): Uncertain significance (1 of 4 stars; one submission).

gnomAD v4.1: 1 of 1,614,046 alleles (0.000062%); highest among the groups gnomAD compares: Non-Finnish European, 0.000085%; no homozygotes.

Submission:

Women's Health and Genetics/Laboratory Corporation of America, LabCorp
Classification: Uncertain significance. Last evaluated: 2024-12-16. Review status: criteria provided, single submitter. Criteria: LabCorp Variant Classification Summary - May 2015. Collection method: clinical testing. Allele origin: germline.
Comment: Variant summary: VWF c.7867A>G (p.Thr2623Ala) results in a non-conservative amino acid change located in the VWFC domain (IPR001007) of the encoded protein sequence. Three of five in-silico tools predict a damaging effect of the variant on protein function. The variant was absent in 251340 control chromosomes. The available data on variant occurrences in the general population are insufficient to allow any conclusion about variant significance. To our knowledge, no occurrence of c.7867A>G in individuals affected with Von Willebrand Disease and no experimental evidence demonstrating its impact on protein function have been reported. No submitters have cited clinical-significance assessments for this variant to ClinVar. Based on the evidence outlined above, the variant was classified as uncertain significance.

NM_000552.5(VWF):c.7867A>G (p.Thr2623Ala)

Gene: VWF (von Willebrand factor; minus strand). Cytogenetic location: 12p13.31.
Variant type: single nucleotide variant.
Coding change: c.7867A>G on transcript NM_000552.5 (MANE Select); coding-DNA position 7867, A replaced by G.
Protein change: p.Thr2623Ala; replaces threonine 2623 with alanine.
Molecular consequence: missense variant.
Genome position (GRCh38, 1-based): chr12:5,967,506, T>C on the plus strand (A>G on the coding strand, the complement: VWF is on the minus strand). VCF-style: chr12-5967506-T-C. GRCh37 (hg19) VCF-style: chr12-6076672-T-C.
Other names: short protein forms T2623A.
Identifiers: ClinVar variation 3768023 (VCV003768023.1).
Genomic context (GRCh38, chr12:5,967,506, plus strand): 5'-GTCCAGTCCATGCCCTCGGTCCCCATTGAGCCTCTCTTACCAGGGGGCAGGGGTTGCAGG[T>C]GGTCTTCCTGCACTCCAGCTTGAATCCAGAGATGACCCCCACCTGCACCATGCAGCGGCA-3'
Protein context (NP_000543.3, residues 2613-2633): SGFKLECRKT[Thr2623Ala]CNPCPLGYKE